The following is an entry in ClinVar:

ClinVar aggregate classification (germline): Uncertain significance (1 of 4 stars; one submission).

Conditions:
Heterotaxy, visceral, 8, autosomal (HTX8). Identifiers: MedGen C4310668, MONDO:0014967, OMIM 617205.

gnomAD v4.1: 4 of 1,614,160 alleles (0.00025%); highest among the groups gnomAD compares: South Asian, 0.0011%; no homozygotes.

Submission:

Clinical Genomics Laboratory, Washington University in St. Louis
Classification: Uncertain significance for Heterotaxy, visceral, 8, autosomal. Last evaluated: 2025-08-04. Review status: criteria provided, single submitter. Criteria: ACMG Guidelines, 2015. Collection method: clinical testing. Allele origin: germline.
Comment: The PKD1L1 c.5858A>C (p.His1953Pro) variant, to our knowledge, has not been reported in the medical literature. This variant is only observed in 1/251,332 alleles in the general population (gnomAD v2.1.1), indicating it is not a common variant. Computational predictors suggest that the variant does not impact PKD1L1 function. Due to limited information, and based on ACMG/AMP guidelines for variant interpretation (Richards S et al., PMID: 25741868), the clinical significance of this variant is uncertain at this time.

NM_138295.5(PKD1L1):c.5858A>C (p.His1953Pro)

Gene: PKD1L1 (polycystin 1 like 1, transient receptor potential channel interacting; minus strand). Cytogenetic location: 7p12.3.
Variant type: single nucleotide variant.
Coding change: c.5858A>C on transcript NM_138295.5 (MANE Select); coding-DNA position 5858, A replaced by C.
Protein change: p.His1953Pro; replaces histidine 1953 with proline.
Molecular consequence: missense variant.
Genome position (GRCh38, 1-based): chr7:47,837,006, T>G on the plus strand (A>C on the coding strand, the complement: PKD1L1 is on the minus strand). VCF-style: chr7-47837006-T-G. GRCh37 (hg19) VCF-style: chr7-47876604-T-G.
Other names: short protein forms H1953P.
Identifiers: ClinVar variation 4279844 (VCV004279844.1).